The following is an entry in ClinVar:

NM_000222.3(KIT):c.1348T>C (p.Cys450Arg)

Gene: KIT (KIT proto-oncogene, receptor tyrosine kinase; plus strand). Cytogenetic location: 4q12.
Variant type: single nucleotide variant.
Coding change: c.1348T>C on transcript NM_000222.3 (MANE Select); coding-DNA position 1348, T replaced by C.
Protein change: p.Cys450Arg; replaces cysteine 450 with arginine.
Molecular consequence: missense variant.
Genome position (GRCh38, 1-based): chr4:54,725,858, T>C. VCF-style: chr4-54725858-T-C. GRCh37 (hg19) VCF-style: chr4-55592024-T-C.
Other names: c.1348T>C, p.Cys450Arg (NM_001093772.2, NM_001385285.1, NM_001385286.1); c.1351T>C, p.Cys451Arg (NM_001385284.1, NM_001385288.1, NM_001385290.1 and 1 more transcripts); short protein forms C450R, C451R.
Identifiers: ClinVar variation 2100796 (VCV002100796.4), dbSNP rs2475535837, ClinGen allele CA356906209.
Genomic context (GRCh38, chr4:54,725,858, plus strand): 5'-TTTTATGTATTTATTTATTTTCCTAGAGTAAGCCAGGGCTTTTGTTTTCTTCCCTTTAGA[T>C]GCTCTGCTTCTGTACTGCCAGTGGATGTGCAGACACTAAACTCATCTGGGCCACCGTTTG-3'
Protein context (NP_000213.1, residues 440-460): WYFCPGTEQR[Cys450Arg]SASVLPVDVQ

ClinVar aggregate classification (germline): Uncertain significance (1 of 4 stars; one submission).

Conditions:
Gastrointestinal stromal tumor. Also called: Gastrointestinal stroma tumor; Gastrointestinal stromal tumor, somatic. Identifiers: Orphanet 44890, MedGen C0238198, MeSH D046152, MONDO:0011719, OMIM 606764, HP:0100723.

Submission:

Labcorp Genetics (formerly Invitae), Labcorp
Classification: Uncertain significance for Gastrointestinal stromal tumor. Last evaluated: 2022-02-21. Review status: criteria provided, single submitter. Criteria: Invitae Variant Classification Sherloc (09022015). Collection method: clinical testing. Allele origin: germline.
Comment: This sequence change replaces cysteine, which is neutral and slightly polar, with arginine, which is basic and polar, at codon 450 of the KIT protein (p.Cys450Arg). This variant is not present in population databases (gnomAD no frequency). This variant has not been reported in the literature in individuals affected with KIT-related conditions. Algorithms developed to predict the effect of missense changes on protein structure and function (SIFT, PolyPhen-2, Align-GVGD) all suggest that this variant is likely to be disruptive. In summary, the available evidence is currently insufficient to determine the role of this variant in disease. Therefore, it has been classified as a Variant of Uncertain Significance.